The following is an entry in ClinVar:

ClinVar aggregate classification (germline): Uncertain significance (1 of 4 stars; one submission).

Conditions:
Hereditary breast ovarian cancer syndrome. Also called: Hereditary breast and ovarian cancer syndrome; Hereditary breast and ovarian cancer syndrome (HBOC); BRCA1- and BRCA2-Associated Hereditary Breast and Ovarian Cancer; Hereditary breast and ovarian cancer; Breast and ovarian cancer; Hereditary breast and/or ovarian cancer syndrome. Identifiers: Orphanet 145, MedGen C0677776, MeSH D061325, MONDO:0003582. Disease mechanism: loss of function.

Submission:

Labcorp Genetics (formerly Invitae), Labcorp
Classification: Uncertain significance for Hereditary breast ovarian cancer syndrome. Last evaluated: 2024-04-30. Review status: criteria provided, single submitter. Criteria: Invitae Variant Classification Sherloc (09022015). Collection method: clinical testing. Allele origin: germline.
Comment: This sequence change replaces lysine, which is basic and polar, with arginine, which is basic and polar, at codon 603 of the BRCA2 protein (p.Lys603Arg). This variant is not present in population databases (gnomAD no frequency). This variant has not been reported in the literature in individuals affected with BRCA2-related conditions. Advanced modeling of protein sequence and biophysical properties (such as structural, functional, and spatial information, amino acid conservation, physicochemical variation, residue mobility, and thermodynamic stability) performed at Invitae indicates that this missense variant is not expected to disrupt BRCA2 protein function with a negative predictive value of 95%. In summary, the available evidence is currently insufficient to determine the role of this variant in disease. Therefore, it has been classified as a Variant of Uncertain Significance.

NM_000059.4(BRCA2):c.1808A>G (p.Lys603Arg)

Gene: BRCA2 (BRCA2 DNA repair associated; plus strand). Cytogenetic location: 13q13.1.
Variant type: single nucleotide variant.
Coding change: c.1808A>G on transcript NM_000059.4 (MANE Select); coding-DNA position 1808, A replaced by G.
Protein change: p.Lys603Arg; replaces lysine 603 with arginine.
Molecular consequence: missense variant. On other transcripts: non-coding transcript variant (1), intron variant (1).
Genome position (GRCh38, 1-based): chr13:32,333,286, A>G. VCF-style: chr13-32333286-A-G. GRCh37 (hg19) VCF-style: chr13-32907423-A-G.
Other names: c.1808A>G, p.Lys603Arg (NM_001406719.1, NM_001406720.1, NM_001406721.1 and 1 more transcripts); c.424+2256A>G (NM_001406722.1); short protein forms K603R.
Identifiers: ClinVar variation 3636433 (VCV003636433.2).